The following is an entry in ClinVar:

ClinVar aggregate classification (germline): Conflicting classifications of pathogenicity. Review status: criteria provided, conflicting classifications (1 of 4 stars). 3 submissions from 3 submitters: Likely pathogenic (1); Uncertain significance (2). Last evaluated 2025-03-31.

Conditions:
Tyrosinase-positive oculocutaneous albinism (OCA2). Also called: ALBINISM II; Albinism, oculocutaneous, type II; Oculocutaneous albinism type 2. Identifiers: Orphanet 79432, MedGen C0268495, MONDO:0008746, OMIM 203200.

Allele frequency attached by ClinVar (database versions not stated): gnomAD 0.00001.
gnomAD v4.1: 1 of 1,613,898 alleles (0.000062%); highest among the groups gnomAD compares: Admixed American, 0.0017%; no homozygotes.

Submissions (3):

Labcorp Genetics (formerly Invitae), Labcorp
Classification: Likely pathogenic. Last evaluated: 2025-03-31. Review status: criteria provided, single submitter. Criteria: Invitae Variant Classification Sherloc (09022015). Collection method: clinical testing. Allele origin: germline.
Comment: This sequence change replaces valine, which is neutral and non-polar, with alanine, which is neutral and non-polar, at codon 443 of the OCA2 protein (p.Val443Ala). This variant is present in population databases (no rsID available, gnomAD 0.1%). This variant has not been reported in the literature in individuals affected with OCA2-related conditions. ClinVar contains an entry for this variant (Variation ID: 1516182). Invitae Evidence Modeling of protein sequence and biophysical properties (such as structural, functional, and spatial information, amino acid conservation, physicochemical variation, residue mobility, and thermodynamic stability) indicates that this missense variant is expected to disrupt OCA2 protein function with a positive predictive value of 80%. This variant disrupts the p.Val443 amino acid residue in OCA2. Other variant(s) that disrupt this residue have been determined to be pathogenic (PMID: 8302318, 20301410, 28976636, 29345414). This suggests that this residue is clinically significant, and that variants that disrupt this residue are likely to be disease-causing. In summary, the currently available evidence indicates that the variant is pathogenic, but additional data are needed to prove that conclusively. Therefore, this variant has been classified as Likely Pathogenic.

Department of Pathology and Laboratory Medicine, Sinai Health System
Classification: Uncertain significance for Tyrosinase-positive oculocutaneous albinism. Last evaluated: 2023-06-06. Review status: criteria provided, single submitter. Criteria: ACMG Guidelines, 2015. Collection method: research. Allele origin: germline.

Blueprint Genetics
Classification: Uncertain significance. Last evaluated: 2019-12-10. Review status: criteria provided, single submitter. Criteria: ACMG Guidelines, 2015. Collection method: clinical testing. Allele origin: germline.

Literature cited by the submitters: PubMed 8302318 (cited by Labcorp Genetics (formerly Invitae), Labcorp); PubMed 20301410 (cited by Labcorp Genetics (formerly Invitae), Labcorp); PubMed 28976636 (cited by Labcorp Genetics (formerly Invitae), Labcorp); PubMed 29345414 (cited by Labcorp Genetics (formerly Invitae), Labcorp).

NM_000275.3(OCA2):c.1328T>C (p.Val443Ala)

Gene: OCA2 (OCA2 melanosomal transmembrane protein; minus strand). Cytogenetic location: 15q13.1.
Variant type: single nucleotide variant.
Coding change: c.1328T>C on transcript NM_000275.3 (MANE Select); coding-DNA position 1328, T replaced by C.
Protein change: p.Val443Ala; replaces valine 443 with alanine.
Molecular consequence: missense variant.
Genome position (GRCh38, 1-based): chr15:27,985,100, A>G on the plus strand (T>C on the coding strand, the complement: OCA2 is on the minus strand). VCF-style: chr15-27985100-A-G. GRCh37 (hg19) VCF-style: chr15-28230246-A-G.
Other names: c.1256T>C, p.Val419Ala (NM_001300984.2); short protein forms V419A, V443A.
Identifiers: ClinVar variation 1516182 (VCV001516182.10), dbSNP rs1325388159, ClinGen allele CA391360562.